The following is an entry in ClinVar:

ClinVar aggregate classification (germline): Uncertain significance (1 of 4 stars; one submission).

Conditions:
Gastrointestinal stromal tumor. Also called: Gastrointestinal stromal tumor, somatic; Gastrointestinal stroma tumor. Identifiers: Orphanet 44890, MedGen C0238198, MeSH D046152, MONDO:0011719, OMIM 606764, HP:0100723.

Allele frequency attached by ClinVar (database versions not stated): TOPMed below 0.00001.

Submission:

Labcorp Genetics (formerly Invitae), Labcorp
Classification: Uncertain significance for Gastrointestinal stromal tumor. Last evaluated: 2023-12-07. Review status: criteria provided, single submitter. Criteria: Invitae Variant Classification Sherloc (09022015). Collection method: clinical testing. Allele origin: germline.
Comment: This sequence change affects codon 47 of the PDGFRA mRNA. It is a 'silent' change, meaning that it does not change the encoded amino acid sequence of the PDGFRA protein. This variant is not present in population databases (gnomAD no frequency). This variant has not been reported in the literature in individuals affected with PDGFRA-related conditions. Algorithms developed to predict the effect of sequence changes on RNA splicing suggest that this variant may disrupt the consensus splice site. In summary, the available evidence is currently insufficient to determine the role of this variant in disease. Therefore, it has been classified as a Variant of Uncertain Significance.

NM_006206.6(PDGFRA):c.141G>A (p.Leu47=)

Gene: PDGFRA (platelet derived growth factor receptor alpha; plus strand). Cytogenetic location: 4q12.
Variant type: single nucleotide variant.
Coding change: c.141G>A on transcript NM_006206.6 (MANE Select); coding-DNA position 141, G replaced by A.
Protein change: p.Leu47=; no amino-acid change (leucine 47 retained).
Molecular consequence: synonymous variant.
Genome position (GRCh38, 1-based): chr4:54,261,186, G>A. VCF-style: chr4-54261186-G-A. GRCh37 (hg19) VCF-style: chr4-55127353-G-A.
Other names: c.141G>A, p.Leu47= (NM_001347827.2, NM_001347829.2); c.216G>A, p.Leu72= (NM_001347828.2); c.180G>A, p.Leu60= (NM_001347830.2).
Identifiers: ClinVar variation 2766239 (VCV002766239.3), dbSNP rs1722683649, ClinGen allele CA439408504.